The following is an entry in ClinVar:

NM_020549.5(CHAT):c.1511+153T>C

Gene: CHAT (choline O-acetyltransferase; plus strand). Cytogenetic location: 10q11.23.
Variant type: single nucleotide variant.
Coding change: c.1511+153T>C on transcript NM_020549.5 (MANE Select); 153 bases into the intron after coding-DNA position 1511, T replaced by C.
Molecular consequence: intron variant.
Genome position (GRCh38, 1-based): chr10:49,649,789, T>C. VCF-style: chr10-49649789-T-C. GRCh37 (hg19) VCF-style: chr10-50857835-T-C.
Other names: c.1157+153T>C (NM_020984.4, NM_020985.4, NM_020986.4 and 2 more transcripts); c.1265+153T>C (NM_001142933.2).
Identifiers: ClinVar variation 678350 (VCV000678350.2), dbSNP rs1917813, ClinGen allele CA13154226.
Genomic context (GRCh38, chr10:49,649,789, plus strand): 5'-ACCCCAGCTCCTCTGCCTCTCCTTGGGCTCCACCTCGTCCCCATCCCTCATGTAGTCAAA[T>C]TAAAGGAGAGATACAACTCTGGGGAAATAACCTTGCTGAAGTATCCATCATTTCTCTAAA-3'

ClinVar aggregate classification (germline): Benign. Review status: criteria provided, multiple submitters, no conflicts (2 of 4 stars). 2 submissions from 2 submitters: Benign (2). Last evaluated 2018-06-19.

Allele frequency attached by ClinVar (database versions not stated): 1000 Genomes Project 0.35643; 1000 Genomes Project 30x 0.35821; TOPMed 0.37285; gnomAD 0.37722 and 0.38105.
gnomAD v4.1: 57,760 of 151,402 alleles (38%); highest among the groups gnomAD compares: Middle Eastern, 49%; 11,868 homozygotes.

Submissions (2):

GeneDx
Classification: Benign. Last evaluated: 2018-06-19. Review status: criteria provided, single submitter. Criteria: GeneDx Variant Classification (06012015). Collection method: clinical testing. Allele origin: germline. Affected: yes.
Comment: This variant is considered likely benign or benign based on one or more of the following criteria: it is a conservative change, it occurs at a poorly conserved position in the protein, it is predicted to be benign by multiple in silico algorithms, and/or has population frequency not consistent with disease.

Breakthrough Genomics
Classification: Benign. Review status: criteria provided, single submitter. Criteria: ACMG Guidelines, 2015. Collection method: not provided. Allele origin: germline. Inheritance: Autosomal recessive inheritance. Affected: yes.